The following is an entry in ClinVar:

NM_032229.3(SLITRK6):c.1669T>C (p.Leu557=)

Gene: SLITRK6 (SLIT and NTRK like family member 6; minus strand). Cytogenetic location: 13q31.1.
Variant type: single nucleotide variant.
Coding change: c.1669T>C on transcript NM_032229.3 (MANE Select); coding-DNA position 1669, T replaced by C.
Protein change: p.Leu557=; no amino-acid change (leucine 557 retained).
Molecular consequence: synonymous variant.
Genome position (GRCh38, 1-based): chr13:85,794,840, A>G on the plus strand (T>C on the coding strand, the complement: SLITRK6 is on the minus strand). VCF-style: chr13-85794840-A-G. GRCh37 (hg19) VCF-style: chr13-86368975-A-G.
Identifiers: ClinVar variation 514238 (VCV000514238.1), dbSNP rs761456551, ClinGen allele CA7015056.

ClinVar aggregate classification (germline): Likely benign (1 of 4 stars; one submission).

Allele frequency attached by ClinVar (database versions not stated): gnomAD exomes below 0.00001 and 0.00001; TOPMed below 0.00001; ExAC 0.00001.
gnomAD v4.1: 7 of 1,613,078 alleles (0.00043%); highest among the groups gnomAD compares: Admixed American, 0.0033%; no homozygotes.

Submission:

GeneDx
Classification: Likely benign. Last evaluated: 2017-12-15. Review status: criteria provided, single submitter. Criteria: GeneDx Variant Classification (06012015). Collection method: clinical testing. Allele origin: germline. Affected: yes.
Comment: This variant is considered likely benign or benign based on one or more of the following criteria: it is a conservative change, it occurs at a poorly conserved position in the protein, it is predicted to be benign by multiple in silico algorithms, and/or has population frequency not consistent with disease.